The following is an entry in ClinVar:

NM_024426.6(WT1):c.1307G>A (p.Arg436Lys)

Gene: WT1 (WT1 transcription factor; minus strand). Cytogenetic location: 11p13.
Variant type: single nucleotide variant.
Coding change: c.1307G>A on transcript NM_024426.6 (MANE Select); coding-DNA position 1307, G replaced by A.
Protein change: p.Arg436Lys; replaces arginine 436 with lysine.
Molecular consequence: missense variant. On other transcripts: non-coding transcript variant (1).
Genome position (GRCh38, 1-based): chr11:32,392,713, C>T on the plus strand (G>A on the coding strand, the complement: WT1 is on the minus strand). VCF-style: chr11-32392713-C-T. GRCh37 (hg19) VCF-style: chr11-32414259-C-T.
Other names: c.1256G>A, p.Arg419Lys (NM_000378.6, NM_001407045.1, NM_001407049.1); c.656G>A, p.Arg219Lys (NM_001198551.2); c.605G>A, p.Arg202Lys (NM_001198552.2); c.119G>A, p.Arg40Lys (NM_001367854.1); c.1301G>A, p.Arg434Lys (NM_001407044.1); c.1307G>A, p.Arg436Lys (NM_001407046.1, NM_024424.5); c.1184G>A, p.Arg395Lys (NM_001407047.1); c.1133G>A, p.Arg378Lys (NM_001407050.1); and 2 more; short protein forms R419K, R202K, R436K, R40K, R219K, R395K, R182K, R414K.
Identifiers: ClinVar variation 1389534 (VCV001389534.7), dbSNP rs2132920559, ClinGen allele CA379959308.

ClinVar aggregate classification (germline): Uncertain significance (1 of 4 stars; one submission).

Conditions:
Wilms tumor 1 (WT1). Also called: Wilms tumor, somatic. Identifiers: Orphanet 654, MedGen CN033288, MONDO:0008679, OMIM 194070.
11p partial monosomy syndrome (WAGR). Also called: WAGR Complex; WAGR Spectrum Disorder; CHROMOSOME 11p13 DELETION SYNDROME; WAGR syndrome. Identifiers: Orphanet 893, MedGen C0206115, MONDO:0008681, OMIM 194072.
Drash syndrome (DDS). Also called: NEPHROPATHY, WILMS TUMOR, AND GENITAL ANOMALIES; WILMS TUMOR AND PSEUDO- OR TRUE HERMAPHRODITISM. Identifiers: Orphanet 220, MedGen C0950121, MONDO:0008682, OMIM 194080.
Frasier syndrome. Identifiers: Orphanet 347, MedGen C0950122, MeSH D052159, MONDO:0007635, OMIM 136680.

Submission:

Labcorp Genetics (formerly Invitae), Labcorp
Classification: Uncertain significance for Wilms tumor 1; Drash syndrome; 11p partial monosomy syndrome; Frasier syndrome. Last evaluated: 2021-10-27. Review status: criteria provided, single submitter. Criteria: Invitae Variant Classification Sherloc (09022015). Collection method: clinical testing. Allele origin: germline.
Comment: In summary, the available evidence is currently insufficient to determine the role of this variant in disease. Therefore, it has been classified as a Variant of Uncertain Significance. Algorithms developed to predict the effect of missense changes on protein structure and function are either unavailable or do not agree on the potential impact of this missense change (SIFT: "Tolerated"; PolyPhen-2: "Probably Damaging"; Align-GVGD: "Class C0"). This variant has not been reported in the literature in individuals affected with WT1-related conditions. This variant is not present in population databases (gnomAD no frequency). This sequence change replaces arginine, a(n) basic and polar amino acid, with lysine, a(n) basic and polar amino acid, at codon 431 of the WT1 protein (p.Arg431Lys).